The following is an entry in ClinVar:

NM_015909.4(NBAS):c.6935T>C (p.Ile2312Thr)

Gene: NBAS (NBAS subunit of NRZ tethering complex; minus strand). Cytogenetic location: 2p24.3.
Variant type: single nucleotide variant.
Coding change: c.6935T>C on transcript NM_015909.4 (MANE Select); coding-DNA position 6935, T replaced by C.
Protein change: p.Ile2312Thr; replaces isoleucine 2312 with threonine.
Molecular consequence: missense variant. On other transcripts: non-coding transcript variant (1).
Genome position (GRCh38, 1-based): chr2:15,167,229, A>G on the plus strand (T>C on the coding strand, the complement: NBAS is on the minus strand). VCF-style: chr2-15167229-A-G. GRCh37 (hg19) VCF-style: chr2-15307353-A-G.
Other names: short protein forms I2312T.
Identifiers: ClinVar variation 1987816 (VCV001987816.4), dbSNP rs1372579690, ClinGen allele CA345911547.
Genomic context (GRCh38, chr2:15,167,229, plus strand): 5'-CTGCCCAGCTCCTCTGCATCCCAGCGCCCTTGCTGGAGGCTAGCCAAGAGGTGGTCAACA[A>G]TACGTGGATAGAAGGGAGTGGAGACACACTTCACCAGCAGCTTGGCATCCAGGAGCAGGG-3'
Protein context (NP_056993.2, residues 2302-2322): KCVSTPFYPR[Ile2312Thr]VDHLLASLQQ

ClinVar aggregate classification (germline): Uncertain significance (1 of 4 stars; one submission).

Allele frequency attached by ClinVar (database versions not stated): gnomAD exomes below 0.00001; TOPMed below 0.00001.
gnomAD v4.1: 2 of 1,614,272 alleles (0.00012%); highest among the groups gnomAD compares: Non-Finnish European, 0.00017%; no homozygotes.

Submission:

Labcorp Genetics (formerly Invitae), Labcorp
Classification: Uncertain significance. Last evaluated: 2022-04-06. Review status: criteria provided, single submitter. Criteria: Invitae Variant Classification Sherloc (09022015). Collection method: clinical testing. Allele origin: germline.
Comment: Algorithms developed to predict the effect of missense changes on protein structure and function are either unavailable or do not agree on the potential impact of this missense change (SIFT: "Deleterious"; PolyPhen-2: "Benign"; Align-GVGD: "Class C65"). In summary, the available evidence is currently insufficient to determine the role of this variant in disease. Therefore, it has been classified as a Variant of Uncertain Significance. This variant has not been reported in the literature in individuals affected with NBAS-related conditions. This variant is present in population databases (no rsID available, gnomAD 0.0009%). This sequence change replaces isoleucine, which is neutral and non-polar, with threonine, which is neutral and polar, at codon 2312 of the NBAS protein (p.Ile2312Thr).